The following is an entry in ClinVar:

NM_000057.4(BLM):c.959+2_959+3insGGCCGGGCGCGGTGGCTCACGCCTGTAATCCC

Gene: BLM (BLM RecQ like helicase; plus strand). Cytogenetic location: 15q26.1.
Variant type: Insertion.
Coding change: c.959+2_959+3insGGCCGGGCGCGGTGGCTCACGCCTGTAATCCC on transcript NM_000057.4 (MANE Select); the canonical splice donor site of the intron after coding-DNA position 959 through 3 bases into the intron after coding-DNA position 959, GGCCGGGCGCGGTGGCTCACGCCTGTAATCCC inserted.
Molecular consequence: intron variant.
Genome position: GRCh38: chr15:90,751,948-90,751,949. GRCh37 (hg19): chr15:91,295,178-91,295,179.
Other names: c.959+2_959+3insGGCCGGGCGCGGTGGCTCACGCCTGTAATCCC (NM_001287246.2, NM_001287247.2); c.-333+2_-333+3insGGCCGGGCGCGGTGGCTCACGCCTGTAATCCC (NM_001287248.2).
Identifiers: ClinVar variation 2812035 (VCV002812035.3), dbSNP rs1895699059, ClinGen allele CA2739269761.
Genomic context (GRCh38, chr15:90,751,948, plus strand): 5'-GTTCCACCTTCTCCAGAAGAAATTATTTCTGCTTCTTCTTCCTCTTCAAAATGCCTTAGG[T>TGGCCGGGCGCGGTGGCTCACGCCTGTAATCCC]AAACTAGCTAAATAATTAGCATTATTATTTGTTTCTGGGATACTTTAAATTGTTTAATTT-3'

ClinVar aggregate classification (germline): Uncertain significance (1 of 4 stars; one submission).

Conditions:
Bloom syndrome (BLM). Also called: Bloom-Torre-Machacek syndrome. Identifiers: Orphanet 125, MedGen C0005859, MONDO:0008876, OMIM 210900.

Submission:

Labcorp Genetics (formerly Invitae), Labcorp
Classification: Uncertain significance for Bloom syndrome. Last evaluated: 2025-04-14. Review status: criteria provided, single submitter. Criteria: Invitae Variant Classification Sherloc (09022015). Collection method: clinical testing. Allele origin: germline.
Comment: This sequence change falls in intron 4 of the BLM gene. It does not directly change the encoded amino acid sequence of the BLM protein. It affects a nucleotide within the consensus splice site. This variant is not present in population databases (gnomAD no frequency). This variant has not been reported in the literature in individuals affected with BLM-related conditions. ClinVar contains an entry for this variant (Variation ID: 2812035). Variants that disrupt the consensus splice site are a relatively common cause of aberrant splicing (PMID: 17576681, 9536098). In summary, the available evidence is currently insufficient to determine the role of this variant in disease. Therefore, it has been classified as a Variant of Uncertain Significance.

Literature cited by the submitters: PubMed 17576681; PubMed 9536098.